The following is an entry in ClinVar:

ClinVar aggregate classification (germline): Uncertain significance. Review status: criteria provided, multiple submitters, no conflicts (2 of 4 stars). 3 submissions from 3 submitters: Uncertain significance (3). Last evaluated 2026-01-07.

Conditions:
Hereditary nonpolyposis colorectal neoplasms. Identifiers: MedGen C0009405, MeSH D003123.
Hereditary cancer-predisposing syndrome. Also called: Neoplastic Syndromes, Hereditary; Tumor predisposition; Hereditary Cancer Syndrome; Hereditary neoplastic syndrome. Identifiers: Orphanet 140162, MedGen C0027672, MeSH D009386, MONDO:0015356.

Allele frequency attached by ClinVar (database versions not stated): gnomAD 0.00001; TOPMed 0.00001.

Submissions (3):

Labcorp Genetics (formerly Invitae), Labcorp
Classification: Uncertain significance for Hereditary nonpolyposis colorectal neoplasms. Last evaluated: 2026-01-07. Review status: criteria provided, single submitter. Criteria: Invitae Variant Classification Sherloc (09022015). Collection method: clinical testing. Allele origin: germline.
Comment: This sequence change replaces isoleucine, which is neutral and non-polar, with valine, which is neutral and non-polar, at codon 177 of the PMS2 protein (p.Ile177Val). This variant is present in population databases (no rsID available, gnomAD 0.01%). This variant has not been reported in the literature in individuals affected with PMS2-related conditions. ClinVar contains an entry for this variant (Variation ID: 525838). Invitae Evidence Modeling incorporating data from in vitro experimental studies (internal data) indicates that this missense variant is not expected to disrupt PMS2 function with a negative predictive value of 95%. In summary, the available evidence is currently insufficient to determine the role of this variant in disease. Therefore, it has been classified as a Variant of Uncertain Significance.

Ambry Genetics
Classification: Uncertain significance for Hereditary cancer-predisposing syndrome. Last evaluated: 2025-11-17. Review status: criteria provided, single submitter. Criteria: Ambry Variant Classification Scheme 2023. Collection method: clinical testing. Allele origin: germline.
Comment: The p.I177V variant (also known as c.529A>G), located in coding exon 5 of the PMS2 gene, results from an A to G substitution at nucleotide position 529. The isoleucine at codon 177 is replaced by valine, an amino acid with highly similar properties. This amino acid position is highly conserved in available vertebrate species. In addition, the in silico prediction for this alteration is inconclusive. Based on the available evidence, the clinical significance of this variant remains unclear.

Color Diagnostics, LLC DBA Color Health
Classification: Uncertain significance for Hereditary cancer-predisposing syndrome. Last evaluated: 2022-12-24. Review status: criteria provided, single submitter. Criteria: ACMG Guidelines, 2015. Collection method: clinical testing. Allele origin: germline.
Comment: This missense variant replaces isoleucine with valine at codon 177 of the PMS2 protein. Computational prediction suggests that this variant may not impact protein structure and function (internally defined REVEL score threshold <= 0.5, PMID: 27666373). To our knowledge, functional studies have not been reported for this variant. This variant has not been reported in individuals affected with PMS2-related disorders in the literature. This variant has been identified in 1/31408 chromosomes in the general population by the Genome Aggregation Database (gnomAD). The available evidence is insufficient to determine the role of this variant in disease conclusively. Therefore, this variant is classified as a Variant of Uncertain Significance.

NM_000535.7(PMS2):c.529A>G (p.Ile177Val)

Gene: PMS2 (PMS1 homolog 2, mismatch repair system component; minus strand). Cytogenetic location: 7p22.1.
Variant type: single nucleotide variant.
Coding change: c.529A>G on transcript NM_000535.7 (MANE Select); coding-DNA position 529, A replaced by G.
Protein change: p.Ile177Val; replaces isoleucine 177 with valine.
Molecular consequence: missense variant. On other transcripts: 5 prime UTR variant (2), non-coding transcript variant (1).
Genome position (GRCh38, 1-based): chr7:6,002,461, T>C on the plus strand (A>G on the coding strand, the complement: PMS2 is on the minus strand). VCF-style: chr7-6002461-T-C. GRCh37 (hg19) VCF-style: chr7-6042092-T-C.
Other names: c.124A>G, p.Ile42Val (NM_001322003.2, NM_001322004.2, NM_001322005.2 and 3 more transcripts); c.529A>G, p.Ile177Val (NM_001322006.2, NM_001322014.2); c.211A>G, p.Ile71Val (NM_001322007.2, NM_001322008.2); c.-356A>G (NM_001322011.2, NM_001322012.2); c.220A>G, p.Ile74Val (NM_001322015.2); short protein forms I177V, I42V, I71V, I74V.
Identifiers: ClinVar variation 525838 (VCV000525838.16), dbSNP rs1377323953, ClinGen allele CA366744164.